The following is an entry in ClinVar:

NM_020738.4(KIDINS220):c.23G>A (p.Ser8Asn)

Gene: KIDINS220 (kinase D interacting substrate 220; minus strand). Cytogenetic location: 2p25.1.
Variant type: single nucleotide variant.
Coding change: c.23G>A on transcript NM_020738.4 (MANE Select); coding-DNA position 23, G replaced by A.
Protein change: p.Ser8Asn; replaces serine 8 with asparagine.
Molecular consequence: missense variant. On other transcripts: non-coding transcript variant (2), 5 prime UTR variant (1).
Genome position (GRCh38, 1-based): chr2:8,827,071, C>T on the plus strand (G>A on the coding strand, the complement: KIDINS220 is on the minus strand). VCF-style: chr2-8827071-C-T. GRCh37 (hg19) VCF-style: chr2-8967201-C-T.
Other names: c.23G>A (NM_020738.2); c.23G>A, p.Ser8Asn (NM_001348729.2, NM_001348731.2, NM_001348732.2 and 9 more transcripts); c.-275G>A (NM_001348736.2); short protein forms S8N.
Identifiers: ClinVar variation 2049793 (VCV002049793.9), dbSNP rs202051983, ClinGen allele CA1520562.

ClinVar aggregate classification (germline): Uncertain significance. Review status: criteria provided, multiple submitters, no conflicts (2 of 4 stars). 4 submissions from 4 submitters: Uncertain significance (3). 1 of the submissions does not count toward it. Last evaluated 2026-07-09.

Conditions:
KIDINS220-related disorder. Also called: KIDINS220-related condition.
Inborn genetic diseases. Identifiers: MedGen C0950123, MeSH D030342.

Allele frequency attached by ClinVar (database versions not stated): gnomAD 0.00002; ExAC 0.00005; TOPMed 0.00006; ESP Exome Variant Server 0.00008; gnomAD exomes 0.00009.
gnomAD v4.1: 139 of 1,599,304 alleles (0.0087%); highest among the groups gnomAD compares: Non-Finnish European, 0.011%; no homozygotes.

Submissions (4):

GeneDx
Classification: Uncertain significance. Last evaluated: 2026-07-09. Review status: criteria provided, single submitter. Criteria: GeneDx Variant Classification Process June 2021. Collection method: clinical testing. Allele origin: germline.
Comment: In silico analysis suggests that this missense variant does not alter protein structure/function; Has not been previously published as pathogenic or benign to our knowledge

Ambry Genetics
Classification: Uncertain significance for Inborn genetic diseases. Last evaluated: 2024-06-13. Review status: criteria provided, single submitter. Criteria: Ambry Variant Classification Scheme 2023. Collection method: clinical testing. Allele origin: germline.

Labcorp Genetics (formerly Invitae), Labcorp
Classification: Uncertain significance. Last evaluated: 2023-01-31. Review status: criteria provided, single submitter. Criteria: Invitae Variant Classification Sherloc (09022015). Collection method: clinical testing. Allele origin: germline.
Comment: This sequence change replaces serine, which is neutral and polar, with asparagine, which is neutral and polar, at codon 8 of the KIDINS220 protein (p.Ser8Asn). This variant is present in population databases (rs202051983, gnomAD 0.01%). This variant has not been reported in the literature in individuals affected with KIDINS220-related conditions. Algorithms developed to predict the effect of missense changes on protein structure and function (SIFT, PolyPhen-2, Align-GVGD) all suggest that this variant is likely to be tolerated. In summary, the available evidence is currently insufficient to determine the role of this variant in disease. Therefore, it has been classified as a Variant of Uncertain Significance.

PreventionGenetics, part of Exact Sciences
Classification: Uncertain significance for KIDINS220-related condition. Last evaluated: 2024-09-19. Review status: no assertion criteria provided. Collection method: clinical testing. Allele origin: germline. Not counted in ClinVar's aggregate classification.
Comment: The KIDINS220 c.23G>A variant is predicted to result in the amino acid substitution p.Ser8Asn. To our knowledge, this variant has not been reported in the literature. This variant is reported in 0.012% of alleles in individuals of African descent in gnomAD. At this time, the clinical significance of this variant is uncertain due to the absence of conclusive functional and genetic evidence.